The following is an entry in ClinVar:

ClinVar aggregate classification (germline): Uncertain significance (1 of 4 stars; one submission).

Submission:

CeGaT Center for Human Genetics Tuebingen
Classification: Uncertain significance. Last evaluated: 2026-08-01. Review status: criteria provided, single submitter. Criteria: CeGaT Center For Human Genetics Tuebingen Variant Classification Criteria Version 2. Collection method: clinical testing. Allele origin: germline. Affected: yes. Observed: 1 variant allele.
Comment: SIK1: PM2, BP4, BP5

NM_173354.5(SIK1):c.-1C>T

Gene: SIK1 (salt inducible kinase 1; minus strand). Cytogenetic location: 21q22.3.
Variant type: single nucleotide variant.
Coding change: c.-1C>T on transcript NM_173354.5 (MANE Select); 1 bases upstream of the start codon, C replaced by T.
Molecular consequence: 5 prime UTR variant.
Genome position (GRCh38, 1-based): chr21:43,426,179, G>A on the plus strand (C>T on the coding strand, the complement: SIK1 is on the minus strand). VCF-style: chr21-43426179-G-A. GRCh37 (hg19) VCF-style: chr21-44846059-G-A.
Identifiers: ClinVar variation 5040740 (VCV005040740.1).
Genomic context (GRCh38, chr21:43,426,179, plus strand): 5'-CTTCTGCTGGCCCTGACCCTGGCCCGCGGGGTCCGCGCTGAACTCCGACATGATAACCAT[G>A]GCTCCGCGCGCACCTGCGGGGCCGCACAGAGCTCAGAGCCCACCAGCGCCCCCGCCGCCC-3'